The following is an entry in ClinVar:

NM_006147.4(IRF6):c.668-4G>T

Gene: IRF6 (interferon regulatory factor 6; minus strand). Cytogenetic location: 1q32.2.
Variant type: single nucleotide variant.
Coding change: c.668-4G>T on transcript NM_006147.4 (MANE Select); 4 bases into the intron before coding-DNA position 668, G replaced by T.
Molecular consequence: intron variant.
Genome position (GRCh38, 1-based): chr1:209,790,891, C>A on the plus strand (G>T on the coding strand, the complement: IRF6 is on the minus strand). VCF-style: chr1-209790891-C-A. GRCh37 (hg19) VCF-style: chr1-209964236-C-A.
Other names: c.383-4G>T (NM_001206696.2).
Identifiers: ClinVar variation 702724 (VCV000702724.10), dbSNP rs376679285, ClinGen allele CA1377259.

ClinVar aggregate classification (germline): Likely benign. Review status: criteria provided, single submitter (1 of 4 stars). 2 submissions from 2 submitters: Likely benign (1). 1 of the submissions does not count toward it. Last evaluated 2023-12-14.

Conditions:
Popliteal pterygium syndrome (PPS). Identifiers: Orphanet 294963, MedGen C0265259, MONDO:0017435.
Van der Woude syndrome. Identifiers: Orphanet 888, MedGen C0175697, MONDO:0019508.
Orofacial cleft 6, susceptibility to (OFC6). Also called: CLEFT LIP WITH OR WITHOUT CLEFT PALATE, NONSYNDROMIC, 6. Identifiers: MedGen C1837213, MONDO:0012141, OMIM 608864.
IRF6-related condition. Also called: IRF6-related disorder; IRF6-Related Disorders. Identifiers: MedGen CN378148, MONDO:1040010.

Allele frequency attached by ClinVar (database versions not stated): ESP Exome Variant Server 0.00008; gnomAD 0.00010; TOPMed 0.00012; gnomAD exomes 0.00013 and 0.00025; ExAC 0.00016.
gnomAD v4.1: 373 of 1,612,244 alleles (0.023%); highest among the groups gnomAD compares: Middle Eastern, 0.043%; no homozygotes.

Submissions (2):

Labcorp Genetics (formerly Invitae), Labcorp
Classification: Likely benign for Orofacial cleft 6, susceptibility to; Van der Woude syndrome; Popliteal pterygium syndrome. Last evaluated: 2023-12-14. Review status: criteria provided, single submitter. Criteria: Invitae Variant Classification Sherloc (09022015). Collection method: clinical testing. Allele origin: germline.

PreventionGenetics, part of Exact Sciences
Classification: Likely benign for IRF6-related condition. Last evaluated: 2020-03-23. Review status: no assertion criteria provided. Collection method: clinical testing. Allele origin: germline. Not counted in ClinVar's aggregate classification.
Comment: This variant is classified as likely benign based on ACMG/AMP sequence variant interpretation guidelines (Richards et al. 2015 PMID: 25741868, with internal and published modifications).